The following is an entry in ClinVar:

NM_014905.5(GLS):c.1961A>G (p.Asn654Ser)

Gene: GLS (glutaminase; plus strand). Cytogenetic location: 2q32.2.
Variant type: single nucleotide variant.
Coding change: c.1961A>G on transcript NM_014905.5 (MANE Select); coding-DNA position 1961, A replaced by G.
Protein change: p.Asn654Ser; replaces asparagine 654 with serine.
Molecular consequence: missense variant.
Genome position (GRCh38, 1-based): chr2:190,962,937, A>G. VCF-style: chr2-190962937-A-G. GRCh37 (hg19) VCF-style: chr2-191827663-A-G.
Other names: short protein forms N654S.
Identifiers: ClinVar variation 3039072 (VCV003039072.10), dbSNP rs35890674, ClinGen allele CA2029678.

ClinVar aggregate classification (germline): Likely benign. Review status: criteria provided, single submitter (1 of 4 stars). 2 submissions from 2 submitters: Likely benign (1). 1 of the submissions does not count toward it. Last evaluated 2026-08-01.

Conditions:
GLS-related disorder. Also called: GLS-related condition.

Allele frequency attached by ClinVar (database versions not stated): gnomAD exomes 0.00038; ExAC 0.00130; 1000 Genomes Project 30x 0.00250; 1000 Genomes Project 0.00260; gnomAD 0.00359; ESP Exome Variant Server 0.00377; TOPMed 0.00394.
gnomAD v4.1: 1,131 of 1,610,874 alleles (0.07%); highest among the groups gnomAD compares: African/African-American, 1.2%; 9 homozygotes.

Submissions (2):

CeGaT Center for Human Genetics Tuebingen
Classification: Likely benign. Last evaluated: 2026-08-01. Review status: criteria provided, single submitter. Criteria: CeGaT Center For Human Genetics Tuebingen Variant Classification Criteria Version 2. Collection method: clinical testing. Allele origin: germline. Affected: yes. Observed: 2 variant alleles.
Comment: GLS: BP4, BS1

PreventionGenetics, part of Exact Sciences
Classification: Benign for GLS-related condition. Last evaluated: 2019-05-28. Review status: no assertion criteria provided. Collection method: clinical testing. Allele origin: germline. Not counted in ClinVar's aggregate classification.
Comment: This variant is classified as benign based on ACMG/AMP sequence variant interpretation guidelines (Richards et al. 2015 PMID: 25741868, with internal and published modifications).